The following is an entry in ClinVar:

NM_015338.6(ASXL1):c.3436T>C (p.Ser1146Pro)

Gene: ASXL1 (ASXL transcriptional regulator 1; plus strand). Cytogenetic location: 20q11.21.
Variant type: single nucleotide variant.
Coding change: c.3436T>C on transcript NM_015338.6 (MANE Select); coding-DNA position 3436, T replaced by C.
Protein change: p.Ser1146Pro; replaces serine 1146 with proline.
Molecular consequence: missense variant.
Genome position (GRCh38, 1-based): chr20:32,436,148, T>C. VCF-style: chr20-32436148-T-C. GRCh37 (hg19) VCF-style: chr20-31023951-T-C.
Other names: c.3253T>C, p.Ser1085Pro (NM_001363734.1); short protein forms S1085P, S1146P.
Identifiers: ClinVar variation 3792028 (VCV003792028.1).

ClinVar aggregate classification (germline): Uncertain significance (1 of 4 stars; one submission).

Conditions:
Inborn genetic diseases. Identifiers: MedGen C0950123, MeSH D030342.

gnomAD v4.1: 1 of 1,614,080 alleles (0.000062%); highest among the groups gnomAD compares: Non-Finnish European, 0.000085%; no homozygotes.

Submission:

Ambry Genetics
Classification: Uncertain significance for Inborn genetic diseases. Last evaluated: 2025-01-06. Review status: criteria provided, single submitter. Criteria: Ambry Variant Classification Scheme 2023. Collection method: clinical testing. Allele origin: germline.
Comment: The p.S1146P variant (also known as c.3436T>C), located in coding exon 13 of the ASXL1 gene, results from a T to C substitution at nucleotide position 3436. The serine at codon 1146 is replaced by proline, an amino acid with similar properties. This amino acid position is conserved. In addition, this alteration is predicted to be tolerated by in silico analysis. Based on the available evidence, the clinical significance of this variant remains unclear.